The following is an entry in ClinVar:

NM_001370259.2(MEN1):c.490_491delinsT (p.Ala164fs)

Gene: MEN1 (menin 1; minus strand). Cytogenetic location: 11q13.1.
Variant type: Indel.
Coding change: c.490_491delinsT on transcript NM_001370259.2 (MANE Select); coding-DNA positions 490 to 491, GC replaced by T.
Protein change: p.Ala164fs; shifts the reading frame from alanine 164.
Molecular consequence: frameshift variant.
Genome position (GRCh38, 1-based): chr11:64,808,054-64,808,055, GC replaced by A on the plus strand (GC replaced by T on the coding strand, the reverse complement: MEN1 is on the minus strand). VCF-style: chr11-64808054-GC-A. GRCh37 (hg19) VCF-style: chr11-64575526-GC-A.
Other names: c.490_491delGCinsT (NM_130799.2); c.505_506delinsT, p.Ala169fs (NM_000244.4, NM_130800.3, NM_130801.3 and 3 more transcripts); c.490_491delinsT, p.Ala164fs (NM_001370251.2, NM_001370260.2, NM_001370261.2 and 3 more transcripts); short protein forms A169fs, A164fs.
Identifiers: ClinVar variation 280424 (VCV000280424.2), dbSNP rs886041634, ClinGen allele CA10603168.
Genomic context (GRCh38, chr11:64,808,054, plus strand): 5'-ACCCAGGCATGATCCTCAGACAGGGCGAGGTGGACATCCCGGAGACCCAGGGCCTGGCAG[GC>A]CCCAACCACAGCAAAGGCCACACCGGAGCTGTCCAATTTGGTGCCTGTGGAAGGGGGAGG-3'

ClinVar aggregate classification (germline): Pathogenic (1 of 4 stars; one submission).

Submission:

GeneDx
Classification: Pathogenic. Last evaluated: 2016-03-11. Review status: criteria provided, single submitter. Criteria: GeneDx Variant Classification (06012015). Collection method: clinical testing. Allele origin: germline. Affected: yes.
Comment: The c.490_491delGCinsT pathogenic variant in the MEN1 gene causes a frameshift starting with codon Alanine 164, changes this amino acid to a Serine residue and creates a premature Stop codon at position 21 of the new reading frame, denoted p.Ala164SerfsX21. This pathogenic variant is predicted to cause loss of normal protein function either through protein truncation or nonsense-mediated mRNA decay.